The following is an entry in ClinVar:

ClinVar aggregate classification (germline): Uncertain significance. Review status: criteria provided, multiple submitters, no conflicts (2 of 4 stars). 2 submissions from 2 submitters: Uncertain significance (2). Last evaluated 2024-01-29.

Conditions:
Inborn genetic diseases. Identifiers: MedGen C0950123, MeSH D030342.

Allele frequency attached by ClinVar (database versions not stated): TOPMed below 0.00001; gnomAD 0.00001; 1000 Genomes Project 30x 0.00016; 1000 Genomes Project 0.00020.
gnomAD v4.1: 5 of 1,560,584 alleles (0.00032%); highest among the groups gnomAD compares: East Asian, 0.012%; no homozygotes.

Submissions (2):

Ambry Genetics
Classification: Uncertain significance for Inborn genetic diseases. Last evaluated: 2024-01-29. Review status: criteria provided, single submitter. Criteria: Ambry Variant Classification Scheme 2023. Collection method: clinical testing. Allele origin: germline.

Labcorp Genetics (formerly Invitae), Labcorp
Classification: Uncertain significance. Last evaluated: 2023-12-11. Review status: criteria provided, single submitter. Criteria: Invitae Variant Classification Sherloc (09022015). Collection method: clinical testing. Allele origin: germline.
Comment: This sequence change replaces histidine, which is basic and polar, with aspartic acid, which is acidic and polar, at codon 39 of the SDHAF1 protein (p.His39Asp). This variant is present in population databases (rs553743638, gnomAD 0.02%). This variant has not been reported in the literature in individuals affected with SDHAF1-related conditions. ClinVar contains an entry for this variant (Variation ID: 1976849). An algorithm developed to predict the effect of missense changes on protein structure and function (PolyPhen-2) suggests that this variant is likely to be disruptive. In summary, the available evidence is currently insufficient to determine the role of this variant in disease. Therefore, it has been classified as a Variant of Uncertain Significance.

NM_001042631.3(SDHAF1):c.115C>G (p.His39Asp)

Gene: SDHAF1 (succinate dehydrogenase complex assembly factor 1; plus strand). Cytogenetic location: 19q13.12.
Variant type: single nucleotide variant.
Coding change: c.115C>G on transcript NM_001042631.3 (MANE Select); coding-DNA position 115, C replaced by G.
Protein change: p.His39Asp; replaces histidine 39 with aspartic acid.
Molecular consequence: missense variant.
Genome position (GRCh38, 1-based): chr19:35,995,389, C>G. VCF-style: chr19-35995389-C-G. GRCh37 (hg19) VCF-style: chr19-36486291-C-G.
Other names: c.115C>G (NM_001042631.2); short protein forms H39D.
Identifiers: ClinVar variation 1976849 (VCV001976849.6), dbSNP rs553743638, ClinGen allele CA9393669.